The following is an entry in ClinVar:

ClinVar aggregate classification (germline): Pathogenic (1 of 4 stars; one submission).

Submission:

GeneDx
Classification: Pathogenic. Last evaluated: 2024-02-07. Review status: criteria provided, single submitter. Criteria: GeneDx Variant Classification Process June 2021. Collection method: clinical testing. Allele origin: germline. Affected: yes.
Comment: Published functional studies suggest interference with GM2 activator protein synthesis and/or folding, as well as impaired catabolism of GM2 gangliosides (PMID: 28417072); Nonsense variant predicted to result in protein truncation or nonsense mediated decay in a gene for which loss of function is a known mechanism of disease; Not observed at significant frequency in large population cohorts (gnomAD); This variant is associated with the following publications: (PMID: 28417072)

NM_000405.5(GM2A):c.259G>T (p.Glu87Ter)

Gene: GM2A (ganglioside GM2 activator; plus strand). Cytogenetic location: 5q33.1.
Variant type: single nucleotide variant.
Coding change: c.259G>T on transcript NM_000405.5 (MANE Select); coding-DNA position 259, G replaced by T.
Protein change: p.Glu87Ter; replaces glutamic acid 87 with a stop codon.
Molecular consequence: nonsense.
Genome position (GRCh38, 1-based): chr5:151,266,746, G>T. VCF-style: chr5-151266746-G-T. GRCh37 (hg19) VCF-style: chr5-150646307-G-T.
Other names: c.259G>T, p.Glu87Ter (NM_001167607.3); short protein forms E87*.
Identifiers: ClinVar variation 3340369 (VCV003340369.1).
Genomic context (GRCh38, chr5:151,266,746, plus strand): 5'-CACTTATAACCTTTTTCAAACCTTTGTTTTATTTTTTTTTACCAGGTGGATTTAGTTTTG[G>T]AGAAGGAGGTGGCTGGCCTCTGGATCAAGATCCCATGCACAGACTACATTGGCAGCTGTA-3'